The following is an entry in ClinVar:

ClinVar aggregate classification (germline): Benign (1 of 4 stars; one submission).

Submission:

CeGaT Center for Human Genetics Tuebingen
Classification: Benign. Last evaluated: 2022-08-01. Review status: criteria provided, single submitter. Criteria: CeGaT Center For Human Genetics Tuebingen Variant Classification Criteria Version 2. Collection method: clinical testing. Allele origin: germline. Affected: yes. Observed: 1 variant allele.
Comment: PPP2R2B: BS1, BS2

NM_181674.3(PPP2R2B):c.75-562AGC[12]

Genes: PPP2R2B (protein phosphatase 2 regulatory subunit Bbeta; minus strand), LOC108660405 (protein phosphatase 2 regulatory subunit Bbeta repeat instability region; plus strand). Cytogenetic location: 5q32.
Variant type: Microsatellite.
Coding change: c.75-562AGC[12] on transcript NM_181674.3; 12 copies in a row of the 3-base unit AGC starting at c.75-562; the reference has ten copies in a row; two copies, 6 bases duplicated.
Molecular consequence: intron variant.
Genome position (GRCh38, 1-based): chr5:146,878,728-146,878,733, GCTGCT duplicated on the plus strand (AGCAGC on the coding strand, the reverse complement: PPP2R2B is on the minus strand); duplicating any 6 consecutive bases within chr5:146,878,728-146,878,759 gives the same sequence; the position shown is the placement nearest the transcript's 3' end. VCF-style (leftmost placement, unchanged base first): chr5-146878727-A-AGCTGCT. GRCh37 (hg19) VCF-style: chr5-146258290-A-AGCTGCT.
Other names: c.51-562AGC[12] (NM_001271900.2); c.79+176908AGC[12] (NM_181676.3); c.89-177615AGC[12] (NM_001271899.1); c.-48-22174AGC[12] (NM_181678.2); c.10+156412AGC[12] (NM_181677.2).
Identifiers: ClinVar variation 2655888 (VCV002655888.22), dbSNP rs10591869, ClinGen allele CA805283319.